The following is an entry in ClinVar:

ClinVar aggregate classification (germline): Uncertain significance (1 of 4 stars; one submission).

Conditions:
Primary ciliary dyskinesia. Also called: Ciliary dyskinesia. Identifiers: Orphanet 244, MedGen C0008780, MONDO:0016575, HP:0012265.

gnomAD v4.1: 2 of 1,603,646 alleles (0.00012%); highest among the groups gnomAD compares: Non-Finnish European, 0.00017%; no homozygotes.

Submission:

Labcorp Genetics (formerly Invitae), Labcorp
Classification: Uncertain significance for Primary ciliary dyskinesia. Last evaluated: 2022-11-01. Review status: criteria provided, single submitter. Criteria: Invitae Variant Classification Sherloc (09022015). Collection method: clinical testing. Allele origin: germline.
Comment: This sequence change replaces isoleucine, which is neutral and non-polar, with threonine, which is neutral and polar, at codon 2194 of the DNAH5 protein (p.Ile2194Thr). This variant is not present in population databases (gnomAD no frequency). This variant has not been reported in the literature in individuals affected with DNAH5-related conditions. ClinVar contains an entry for this variant (Variation ID: 1391233). Algorithms developed to predict the effect of missense changes on protein structure and function are either unavailable or do not agree on the potential impact of this missense change (SIFT: "Deleterious"; PolyPhen-2: "Benign"; Align-GVGD: "Class C0"). In summary, the available evidence is currently insufficient to determine the role of this variant in disease. Therefore, it has been classified as a Variant of Uncertain Significance.

NM_001369.3(DNAH5):c.6581T>C (p.Ile2194Thr)

Gene: DNAH5 (dynein axonemal heavy chain 5; minus strand). Cytogenetic location: 5p15.2.
Variant type: single nucleotide variant.
Coding change: c.6581T>C on transcript NM_001369.3 (MANE Select); coding-DNA position 6581, T replaced by C.
Protein change: p.Ile2194Thr; replaces isoleucine 2194 with threonine.
Molecular consequence: missense variant.
Genome position (GRCh38, 1-based): chr5:13,823,369, A>G on the plus strand (T>C on the coding strand, the complement: DNAH5 is on the minus strand). VCF-style: chr5-13823369-A-G. GRCh37 (hg19) VCF-style: chr5-13823478-A-G.
Other names: short protein forms I2194T.
Identifiers: ClinVar variation 1391233 (VCV001391233.3), dbSNP rs755113058, ClinGen allele CA359196128.